The following is an entry in ClinVar:

ClinVar aggregate classification (germline): Pathogenic/Likely pathogenic. Review status: criteria provided, multiple submitters, no conflicts (2 of 4 stars). 3 submissions from 3 submitters: Pathogenic (2); Likely pathogenic (1). Last evaluated 2024-04-30.

Conditions:
TUBGCP4-related disorder. Also called: TUBGCP4-related condition.

Allele frequency attached by ClinVar (database versions not stated): TOPMed 0.00001.
gnomAD v4.1: 7 of 1,613,952 alleles (0.00043%); highest among the groups gnomAD compares: East Asian, 0.0022%; no homozygotes.

Submissions (3):

GeneDx
Classification: Pathogenic. Last evaluated: 2024-04-30. Review status: criteria provided, single submitter. Criteria: GeneDx Variant Classification Process June 2021. Collection method: clinical testing. Allele origin: germline. Affected: yes.
Comment: Nonsense variant predicted to result in protein truncation or nonsense mediated decay in a gene for which loss of function is a known mechanism of disease; Not observed at significant frequency in large population cohorts (gnomAD); This variant is associated with the following publications: (PMID: 33137195)

Labcorp Genetics (formerly Invitae), Labcorp
Classification: Pathogenic. Last evaluated: 2022-07-15. Review status: criteria provided, single submitter. Criteria: Invitae Variant Classification Sherloc (09022015). Collection method: clinical testing. Allele origin: germline.
Comment: This sequence change creates a premature translational stop signal (p.Arg552*) in the TUBGCP4 gene. It is expected to result in an absent or disrupted protein product. Loss-of-function variants in TUBGCP4 are known to be pathogenic (PMID: 25817018). This variant is present in population databases (rs751545508, gnomAD 0.003%). This premature translational stop signal has been observed in individual(s) with microcephaly and chorioretinopathy (PMID: 33137195). ClinVar contains an entry for this variant (Variation ID: 933521). For these reasons, this variant has been classified as Pathogenic.

Blueprint Genetics
Classification: Likely pathogenic for TUBGCP4-related disorders. Last evaluated: 2022-04-09. Review status: criteria provided, single submitter. Criteria: ACMG Guidelines, 2015. Collection method: clinical testing. Allele origin: germline. Affected: yes. Observed: 2 variant alleles.

Literature cited by the submitters: PubMed 25817018 (cited by Labcorp Genetics (formerly Invitae), Labcorp); PubMed 33137195 (cited by Labcorp Genetics (formerly Invitae), Labcorp).

NM_014444.5(TUBGCP4):c.1651C>T (p.Arg551Ter)

Gene: TUBGCP4 (tubulin gamma complex component 4; plus strand). Cytogenetic location: 15q15.3.
Variant type: single nucleotide variant.
Coding change: c.1651C>T on transcript NM_014444.5 (MANE Select); coding-DNA position 1651, C replaced by T.
Protein change: p.Arg551Ter; replaces arginine 551 with a stop codon.
Molecular consequence: nonsense.
Genome position (GRCh38, 1-based): chr15:43,401,770, C>T. VCF-style: chr15-43401770-C-T. GRCh37 (hg19) VCF-style: chr15-43693968-C-T.
Other names: c.1654C>T, p.Arg552Ter (NM_001286414.3); c.1651C>T (NM_014444.3); short protein forms R551*, R552*.
Identifiers: ClinVar variation 933521 (VCV000933521.7), dbSNP rs751545508, ClinGen allele CA7524151.